The following is an entry in ClinVar:

NM_001244008.2(KIF1A):c.902C>T (p.Thr301Ile)

Gene: KIF1A (kinesin family member 1A; minus strand). Cytogenetic location: 2q37.3.
Variant type: single nucleotide variant.
Coding change: c.902C>T on transcript NM_001244008.2 (MANE Select); coding-DNA position 902, C replaced by T.
Protein change: p.Thr301Ile; replaces threonine 301 with isoleucine.
Molecular consequence: missense variant.
Genome position (GRCh38, 1-based): chr2:240,775,907, G>A on the plus strand (C>T on the coding strand, the complement: KIF1A is on the minus strand). VCF-style: chr2-240775907-G-A. GRCh37 (hg19) VCF-style: chr2-241715324-G-A.
Other names: c.902C>T, p.Thr301Ile (NM_001320705.2, NM_001330289.2, NM_001330290.2 and 21 more transcripts); c.902C>T (NM_004321.6); short protein forms T301I.
Identifiers: ClinVar variation 2928159 (VCV002928159.4), dbSNP rs2537996681, ClinGen allele CA351297860.

ClinVar aggregate classification (germline): Uncertain significance. Review status: criteria provided, multiple submitters, no conflicts (2 of 4 stars). 2 submissions from 2 submitters: Uncertain significance (2). Last evaluated 2025-06-18.

Conditions:
Neuropathy, hereditary sensory, type 2C. Also called: Hereditary sensory and autonomic neuropathy type IIC; KIF1A-Related HSAN2 (HSAN2C). Identifiers: Orphanet 970, MedGen C3280168, MONDO:0013634, OMIM 614213.
Hereditary spastic paraplegia 30. Identifiers: Orphanet 101010, MedGen C5235139, MONDO:0012476.
Intellectual disability, autosomal dominant 9 (NESCAVS). Also called: NESCAV SYNDROME; KIF1A-Related Neurodevelopmental Disorder. Identifiers: Orphanet 662367, MedGen C5393830, MONDO:0013656, OMIM 614255.

Allele frequency attached by ClinVar (database versions not stated): gnomAD exomes below 0.00001.

Submissions (2):

GeneDx
Classification: Uncertain significance. Last evaluated: 2025-06-18. Review status: criteria provided, single submitter. Criteria: GeneDx Variant Classification Process June 2021. Collection method: clinical testing. Allele origin: germline. Affected: yes.
Comment: Not observed at significant frequency in large population cohorts (gnomAD); In silico analysis supports that this missense variant has a deleterious effect on protein structure/function; Has not been previously published as pathogenic or benign to our knowledge; This variant is associated with the following publications: (PMID: 26125038, 21820098, 21376300)

Labcorp Genetics (formerly Invitae), Labcorp
Classification: Uncertain significance for Hereditary spastic paraplegia 30; Neuropathy, hereditary sensory, type 2C; Intellectual disability, autosomal dominant 9. Last evaluated: 2023-01-13. Review status: criteria provided, single submitter. Criteria: Invitae Variant Classification Sherloc (09022015). Collection method: clinical testing. Allele origin: germline.
Comment: In summary, the available evidence is currently insufficient to determine the role of this variant in disease. Therefore, it has been classified as a Variant of Uncertain Significance. Advanced modeling of protein sequence and biophysical properties (such as structural, functional, and spatial information, amino acid conservation, physicochemical variation, residue mobility, and thermodynamic stability) performed at Invitae indicates that this missense variant is expected to disrupt KIF1A protein function. This variant has not been reported in the literature in individuals affected with KIF1A-related conditions. This variant is not present in population databases (gnomAD no frequency). This sequence change replaces threonine, which is neutral and polar, with isoleucine, which is neutral and non-polar, at codon 301 of the KIF1A protein (p.Thr301Ile).